The following is an entry in ClinVar:

NM_000321.3(RB1):c.2143A>T (p.Lys715Ter)

Gene: RB1 (RB transcriptional corepressor 1; plus strand). Cytogenetic location: 13q14.2.
Variant type: single nucleotide variant.
Coding change: c.2143A>T on transcript NM_000321.3 (MANE Select); coding-DNA position 2143, A replaced by T.
Protein change: p.Lys715Ter; replaces lysine 715 with a stop codon.
Molecular consequence: nonsense.
Genome position (GRCh38, 1-based): chr13:48,463,767, A>T. VCF-style: chr13-48463767-A-T. GRCh37 (hg19) VCF-style: chr13-49037903-A-T.
Other names: c.2143A>T, p.Lys715Ter (NM_001407165.1); short protein forms K715*.
Identifiers: ClinVar variation 1786615 (VCV001786615.2), dbSNP rs2542373622, ClinGen allele CA388167085.

ClinVar aggregate classification (germline): Likely pathogenic (1 of 4 stars; one submission).

Conditions:
Hereditary cancer-predisposing syndrome. Also called: Neoplastic Syndromes, Hereditary; Tumor predisposition; Hereditary Cancer Syndrome; Hereditary neoplastic syndrome. Identifiers: Orphanet 140162, MedGen C0027672, MeSH D009386, MONDO:0015356.

Submission:

Ambry Genetics
Classification: Likely pathogenic for Hereditary cancer-predisposing syndrome. Last evaluated: 2021-05-20. Review status: criteria provided, single submitter. Criteria: Ambry Variant Classification Scheme 2023. Collection method: clinical testing. Allele origin: germline.
Comment: The p.K715* variant (also known as c.2143A>T), located in coding exon 21 of the RB1 gene, results from an A to T substitution at nucleotide position 2143. This changes the amino acid from a lysine to a stop codon within coding exon 21. In silico splice site analysis predicts that this alteration will weaken the native splice acceptor site. Preliminary RNA studies have demonstrated that this alteration results in a transcript predicted to lead to a protein with an in-frame deletion of 35 amino acids; however, the exact functional impact of the deleted amino acids are unknown at this time (Ambry internal data). Other alterations impacting the nearby acceptor site (RB1 c.2107-1G>A and RB1 c.2107-G>C) are expected to lead to the same splice defect and have been described in patients with familial retinoblastoma (Dommering C et al. Fam Cancer. 2012 Jun;11(2):225-33; Ambry internal data). Based on the majority of available evidence to date, this variant is likely to be pathogenic.